The following is an entry in ClinVar:

NM_000222.3(KIT):c.2801A>T (p.His934Leu)

Gene: KIT (KIT proto-oncogene, receptor tyrosine kinase; plus strand). Cytogenetic location: 4q12.
Variant type: single nucleotide variant.
Coding change: c.2801A>T on transcript NM_000222.3 (MANE Select); coding-DNA position 2801, A replaced by T.
Protein change: p.His934Leu; replaces histidine 934 with leucine.
Molecular consequence: missense variant.
Genome position (GRCh38, 1-based): chr4:54,737,279, A>T. VCF-style: chr4-54737279-A-T. GRCh37 (hg19) VCF-style: chr4-55603445-A-T.
Other names: c.2789A>T, p.His930Leu (NM_001093772.2, NM_001385292.1); c.2804A>T, p.His935Leu (NM_001385284.1); c.2798A>T, p.His933Leu (NM_001385285.1); c.2786A>T, p.His929Leu (NM_001385286.1); c.2792A>T, p.His931Leu (NM_001385288.1); c.2801A>T, p.His934Leu (NM_001385290.1); short protein forms H930L, H934L, H929L, H931L, H933L, H935L.
Identifiers: ClinVar variation 652561 (VCV000652561.10), dbSNP rs762406098, ClinGen allele CA356914619.

ClinVar aggregate classification (germline): Uncertain significance. Review status: criteria provided, multiple submitters, no conflicts (2 of 4 stars). 2 submissions from 2 submitters: Uncertain significance (2). Last evaluated 2024-02-13.

Conditions:
Gastrointestinal stromal tumor. Also called: Gastrointestinal stromal tumor, somatic; Gastrointestinal stroma tumor. Identifiers: Orphanet 44890, MedGen C0238198, MeSH D046152, MONDO:0011719, OMIM 606764, HP:0100723.

Submissions (2):

Baylor Genetics
Classification: Uncertain significance for Gastrointestinal stromal tumor. Last evaluated: 2024-02-13. Review status: criteria provided, single submitter. Criteria: ACMG Guidelines, 2015. Collection method: clinical testing. Allele origin: unknown.

Labcorp Genetics (formerly Invitae), Labcorp
Classification: Uncertain significance for Gastrointestinal stromal tumor. Last evaluated: 2023-06-19. Review status: criteria provided, single submitter. Criteria: Invitae Variant Classification Sherloc (09022015). Collection method: clinical testing. Allele origin: germline.
Comment: In summary, the available evidence is currently insufficient to determine the role of this variant in disease. Therefore, it has been classified as a Variant of Uncertain Significance. An algorithm developed to predict the effect of missense changes on protein structure and function (PolyPhen-2) suggests that this variant is likely to be tolerated. ClinVar contains an entry for this variant (Variation ID: 652561). This variant has not been reported in the literature in individuals affected with KIT-related conditions. This variant is not present in population databases (gnomAD no frequency). This sequence change replaces histidine, which is basic and polar, with leucine, which is neutral and non-polar, at codon 934 of the KIT protein (p.His934Leu).